The following is an entry in ClinVar:

NM_000400.4(ERCC2):c.1928A>G (p.Gln643Arg)

Gene: ERCC2 (ERCC excision repair 2, TFIIH core complex helicase subunit; minus strand). Cytogenetic location: 19q13.32.
Variant type: single nucleotide variant.
Coding change: c.1928A>G on transcript NM_000400.4 (MANE Select); coding-DNA position 1928, A replaced by G.
Protein change: p.Gln643Arg; replaces glutamine 643 with arginine.
Molecular consequence: missense variant.
Genome position (GRCh38, 1-based): chr19:45,352,624, T>C on the plus strand (A>G on the coding strand, the complement: ERCC2 is on the minus strand). VCF-style: chr19-45352624-T-C. GRCh37 (hg19) VCF-style: chr19-45855882-T-C.
Other names: short protein forms Q643R.
Identifiers: ClinVar variation 1782797 (VCV001782797.3), dbSNP rs1971848625, ClinGen allele CA406363497.
Genomic context (GRCh38, chr19:45,352,624, plus strand): 5'-CACTGGGCCGCGTGGCGCATGGCATCGAAGGTAAGAAAGTCATTCTCACGAATCTGGAAC[T>C]GGTCCCGCAGGTATTCCAGCCGCGCCTGCAGATACGGAGGATGAGAAGCTGGGGAGGTGG-3'
Protein context (NP_000391.1, residues 633-653): LKARLEYLRD[Gln643Arg]FQIRENDFLT

ClinVar aggregate classification (germline): Uncertain significance (1 of 4 stars; one submission).

Conditions:
Inborn genetic diseases. Identifiers: MedGen C0950123, MeSH D030342.

Submission:

Ambry Genetics
Classification: Uncertain significance for Inborn genetic diseases. Last evaluated: 2024-10-12. Review status: criteria provided, single submitter. Criteria: Ambry Variant Classification Scheme 2023. Collection method: clinical testing. Allele origin: germline.
Comment: The p.Q643R variant (also known as c.1928A>G), located in coding exon 21 of the ERCC2 gene, results from an A to G substitution at nucleotide position 1928. The glutamine at codon 643 is replaced by arginine, an amino acid with highly similar properties. This amino acid position is conserved. In addition, the in silico prediction for this alteration is inconclusive. Since supporting evidence is limited at this time, the clinical significance of this alteration remains unclear.